The following is an entry in ClinVar:

ClinVar aggregate classification (germline): Pathogenic (1 of 4 stars; one submission).

Conditions:
CHD7-related CHARGE syndrome. Identifiers: MedGen CN380413, MONDO:1010178, OMIM 214800.

Submission:

Variantyx, Inc.
Classification: Pathogenic for CHD7-related CHARGE syndrome. Last evaluated: 2025-11-12. Review status: criteria provided, single submitter. Criteria: Variantyx Assertion Criteria 2022. Collection method: clinical testing. Allele origin: germline. Inheritance: Autosomal recessive inheritance. Affected: yes.
Comment: This is a frameshift variant in the CHD7 gene (OMIM: 608892). Pathogenic variants in this gene have been associated with autosomal dominant CHARGE syndrome. This variant introduces a premature termination codon in exon 2 out of 38 and is expected to result in loss of function, which is a known disease mechanism for CHD7 in this disorder (PMID: 22461308, 25077900, 21158681, 16400610, 19248844) (PVS1). This variant has been reported in at least one affected individual (PMID: 21158681) (PS4) and is absent from control populations (PM2). Based on the current evidence, this variant is classified as pathogenic for autosomal dominant CHARGE syndrome.

Literature cited by the submitters: PubMed 22461308; PubMed 25077900; PubMed 21158681; PubMed 16400610; PubMed 19248844.

NM_017780.4(CHD7):c.1319del (p.Pro440fs)

Gene: CHD7 (chromodomain helicase DNA binding protein 7; plus strand). Cytogenetic location: 8q12.2.
Variant type: Deletion.
Coding change: c.1319del on transcript NM_017780.4 (MANE Select); coding-DNA position 1319, one base deleted (C; older notation c.1319delC).
Protein change: p.Pro440fs; shifts the reading frame from proline 440.
Molecular consequence: frameshift variant.
Genome position (GRCh38, 1-based): chr8:60,742,751, C deleted; the last of 5 consecutive C bases (chr8:60,742,747-60,742,751); deleting any one gives the same sequence. VCF-style (leftmost placement, unchanged base first): chr8-60742746-GC-G. GRCh37 (hg19) VCF-style: chr8-61655305-GC-G.
Other names: c.1319del, p.Pro440fs (NM_001316690.1); short protein forms P440fs.
Identifiers: ClinVar variation 4813777 (VCV004813777.1).
Genomic context (GRCh38, chr8:60,742,746, plus strand): 5'-TGGGATACCAATGGAAGTTGGCAGTTATCCAAATATGCCCCATCCTCAGCCATCTCACCA[GC>G]CCCCTGGTGCCATGGGAATCGGACAGAGGAATATGGGCCCCAGAAACATGCAGCAGTCTC-3'